The following is an entry in ClinVar:

NM_015330.6(SPECC1L):c.358A>G (p.Ser120Gly)

Genes: SPECC1L (sperm antigen with calponin homology and coiled-coil domains 1 like; plus strand), SPECC1L-ADORA2A (SPECC1L-ADORA2A readthrough (NMD candidate); plus strand). Cytogenetic location: 22q11.23.
Variant type: single nucleotide variant.
Coding change: c.358A>G on transcript NM_015330.6 (MANE Select); coding-DNA position 358, A replaced by G.
Protein change: p.Ser120Gly; replaces serine 120 with glycine.
Molecular consequence: missense variant. On other transcripts: non-coding transcript variant (1).
Genome position (GRCh38, 1-based): chr22:24,321,338, A>G. VCF-style: chr22-24321338-A-G. GRCh37 (hg19) VCF-style: chr22-24717306-A-G.
Other names: c.358A>G, p.Ser120Gly (NM_001145468.4, NM_001254732.3); short protein forms S120G.
Identifiers: ClinVar variation 3625369 (VCV003625369.2).

ClinVar aggregate classification (germline): Uncertain significance (1 of 4 stars; one submission).

gnomAD v4.1: 2 of 1,614,142 alleles (0.00012%); highest among the groups gnomAD compares: Non-Finnish European, 0.00017%; no homozygotes.

Submission:

Labcorp Genetics (formerly Invitae), Labcorp
Classification: Uncertain significance. Last evaluated: 2024-10-30. Review status: criteria provided, single submitter. Criteria: Invitae Variant Classification Sherloc (09022015). Collection method: clinical testing. Allele origin: germline.
Comment: This sequence change replaces serine, which is neutral and polar, with glycine, which is neutral and non-polar, at codon 120 of the SPECC1L protein (p.Ser120Gly). This variant is not present in population databases (gnomAD no frequency). This variant has not been reported in the literature in individuals affected with SPECC1L-related conditions. Invitae Evidence Modeling of protein sequence and biophysical properties (such as structural, functional, and spatial information, amino acid conservation, physicochemical variation, residue mobility, and thermodynamic stability) indicates that this missense variant is not expected to disrupt SPECC1L protein function with a negative predictive value of 80%. In summary, the available evidence is currently insufficient to determine the role of this variant in disease. Therefore, it has been classified as a Variant of Uncertain Significance.